The following is an entry in ClinVar:

ClinVar aggregate classification (germline): Pathogenic/Likely pathogenic. Review status: criteria provided, multiple submitters, no conflicts (2 of 4 stars). 4 submissions from 4 submitters: Pathogenic (3); Likely pathogenic (1). Last evaluated 2026-04-01.

Conditions:
Long QT syndrome (LQTS). Identifiers: MedGen C0023976, MeSH D008133, MONDO:0002442. Disease mechanism: loss of function. Inheritance: Various modes of inheritance.
Cardiac arrhythmia. Also called: Arrhythmia; Cardiac rhythm disease. Identifiers: MedGen C0003811, MONDO:0007263, HP:0011675.

Allele frequency attached by ClinVar (database versions not stated): ExAC 0.00001; gnomAD exomes 0.00001.
gnomAD v4.1: 3 of 1,612,978 alleles (0.00019%); highest among the groups gnomAD compares: Admixed American, 0.005%; no homozygotes.

Submissions (4):

CeGaT Center for Human Genetics Tuebingen
Classification: Pathogenic. Last evaluated: 2026-04-01. Review status: criteria provided, single submitter. Criteria: CeGaT Center For Human Genetics Tuebingen Variant Classification Criteria Version 2. Collection method: clinical testing. Allele origin: germline. Affected: yes. Observed: 11 variant alleles.
Comment: KCNQ1: PVS1, PM2, PS4:Moderate

Color Diagnostics, LLC DBA Color Health
Classification: Likely pathogenic for Cardiac arrhythmia. Last evaluated: 2025-09-02. Review status: criteria provided, single submitter. Criteria: ACMG Guidelines, 2015. Collection method: clinical testing. Allele origin: germline.
Comment: This variant causes a G>A substitution at +1 position in intron 12 in the KCNQ1 gene. Splicing prediction tools indicate that this variant would impair RNA splicing and result in the loss of gene function. Her mother was a heterozygous carrier and showed a prolonged QT internal without hearing loss. This variant has been identified in 3/251234 chromosomes in the general population by the Genome Aggregation Database (gnomAD). Loss of KCNQ1 function is a known mechanism of disease. Based on the available evidence, this variant is classified as Likely Pathogenic.

Labcorp Genetics (formerly Invitae), Labcorp
Classification: Pathogenic for Long QT syndrome. Last evaluated: 2025-05-23. Review status: criteria provided, single submitter. Criteria: Invitae Variant Classification Sherloc (09022015). Collection method: clinical testing. Allele origin: germline.
Comment: This sequence change affects a donor splice site in intron 12 of the KCNQ1 gene. It is expected to disrupt RNA splicing. Variants that disrupt the donor or acceptor splice site typically lead to a loss of protein function (PMID: 16199547), and loss-of-function variants in KCNQ1 are known to be pathogenic (PMID: 9323054, 19862833). This variant is present in population databases (rs767921776, gnomAD 0.009%). Disruption of this splice site has been observed in individuals with autosomal dominant or recessive KCNQ1-related conditions (PMID: 24388587; internal data). ClinVar contains an entry for this variant (Variation ID: 871731). Algorithms developed to predict the effect of sequence changes on RNA splicing suggest that this variant may disrupt the consensus splice site. For these reasons, this variant has been classified as Pathogenic.

GeneDx
Classification: Pathogenic. Last evaluated: 2021-01-27. Review status: criteria provided, single submitter. Criteria: GeneDx Variant Classification Process June 2021. Collection method: clinical testing. Allele origin: germline. Affected: yes.
Comment: Not observed at a significant frequency in large population cohorts (Lek et al., 2016); Canonical splice site variant predicted to result in a null allele in a gene for which loss-of-function is a known mechanism of disease; This variant is associated with the following publications: (PMID: 24388587, 23967202)

Literature cited by the submitters: PubMed 24388587 (cited by Color Diagnostics, LLC DBA Color Health and Labcorp Genetics (formerly Invitae), Labcorp); PubMed 16199547 (cited by Labcorp Genetics (formerly Invitae), Labcorp); PubMed 9323054 (cited by Labcorp Genetics (formerly Invitae), Labcorp); PubMed 19862833 (cited by Labcorp Genetics (formerly Invitae), Labcorp).

NM_000218.3(KCNQ1):c.1590+1G>A

Gene: KCNQ1 (potassium voltage-gated channel subfamily Q member 1; plus strand). Cytogenetic location: 11p15.5.
Variant type: single nucleotide variant.
Coding change: c.1590+1G>A on transcript NM_000218.3 (MANE Select); the canonical splice donor site of the intron after coding-DNA position 1590, G replaced by A.
Molecular consequence: splice donor variant.
Genome position (GRCh38, 1-based): chr11:2,768,920, G>A. VCF-style: chr11-2768920-G-A. GRCh37 (hg19) VCF-style: chr11-2790150-G-A.
Other names: c.1320+1G>A (NM_001406837.1); c.1494+1G>A (NM_001406836.1); c.1050+1G>A (NM_001406838.1); c.1209+1G>A (NM_181798.2).
Identifiers: ClinVar variation 871731 (VCV000871731.50), dbSNP rs767921776, ClinGen allele CA031064.
Genomic context (GRCh38, chr11:2,768,920, plus strand): 5'-CGGGCCACCATTAAGGTCATTCGACGCATGCAGTACTTTGTGGCCAAGAAGAAATTCCAG[G>A]TAAGCCCTGTGCTGAGCCTTCCTGCCCTCAGCCTGCCCCTCGCAGCCTGATGCAGCTGCC-3'